The following is an entry in ClinVar:

ClinVar aggregate classification (germline): Uncertain significance (1 of 4 stars; one submission).

Submission:

Labcorp Genetics (formerly Invitae), Labcorp
Classification: Uncertain significance. Last evaluated: 2024-08-06. Review status: criteria provided, single submitter. Criteria: Invitae Variant Classification Sherloc (09022015). Collection method: clinical testing. Allele origin: germline.
Comment: This sequence change creates a premature translational stop signal (p.Ala111Argfs*16) in the HOXB13 gene. It is expected to result in an absent or disrupted protein product. However, the current clinical and genetic evidence is not sufficient to establish whether loss-of-function variants in HOXB13 cause disease. This variant is not present in population databases (gnomAD no frequency). This variant has not been reported in the literature in individuals affected with HOXB13-related conditions. ClinVar contains an entry for this variant (Variation ID: 1006832). In summary, the available evidence is currently insufficient to determine the role of this variant in disease. Therefore, it has been classified as a Variant of Uncertain Significance.

NM_006361.6(HOXB13):c.330dup (p.Ala111fs)

Gene: HOXB13 (homeobox B13; minus strand). Cytogenetic location: 17q21.32.
Variant type: Duplication.
Coding change: c.330dup on transcript NM_006361.6 (MANE Select); coding-DNA position 330, one base duplicated (C; older notation c.330dupC).
Protein change: p.Ala111fs; shifts the reading frame from alanine 111.
Molecular consequence: frameshift variant.
Genome position (GRCh38, 1-based): chr17:48,728,264, G duplicated on the plus strand (C on the coding strand, the reverse complement: HOXB13 is on the minus strand); the first of 4 consecutive G bases (chr17:48,728,264-48,728,267); duplicating any one gives the same sequence. VCF-style (leftmost placement, unchanged base first): chr17-48728263-C-CG. GRCh37 (hg19) VCF-style: chr17-46805625-C-CG.
Other names: short protein forms A111fs.
Identifiers: ClinVar variation 1006832 (VCV001006832.4), dbSNP rs2038235514, ClinGen allele CA2263242546.